The following is an entry in ClinVar:

ClinVar aggregate classification (germline): Uncertain significance (1 of 4 stars; one submission).

Conditions:
Dilated cardiomyopathy 1G (CMD1G). Identifiers: Orphanet 154, MedGen C1858763, MONDO:0011400, OMIM 604145.
Autosomal recessive limb-girdle muscular dystrophy type 2J (LGMDR10). Also called: MUSCULAR DYSTROPHY, LIMB-GIRDLE, AUTOSOMAL RECESSIVE 10; Limb-girdle muscular dystrophy, type 2J. Identifiers: Orphanet 140922, MedGen C1837342, MONDO:0012127, OMIM 608807.

Submission:

Labcorp Genetics (formerly Invitae), Labcorp
Classification: Uncertain significance for Dilated cardiomyopathy 1G; Autosomal recessive limb-girdle muscular dystrophy type 2J. Last evaluated: 2020-09-25. Review status: criteria provided, single submitter. Criteria: Invitae Variant Classification Sherloc (09022015). Collection method: clinical testing. Allele origin: germline.
Comment: This variant results in a copy number gain of the genomic region encompassing exon(s) 225-259 of the TTN gene. While the exact position of this variant cannot be determined from the data, sub-genic copy number gains are generally in tandem (PMID: 25640679). This variant is predicted to be out-of-frame, and may result in an absent or disrupted protein product. This variant has not been reported in the literature in individuals with TTN-related conditions. This variant spans the I and A bands of TTN (PMID: 25589632). It is unclear how this variant impacts the function of this protein. In summary, the available evidence is currently insufficient to determine the role of this variant in disease. Therefore, it has been classified as a Variant of Uncertain Significance.

Literature cited by the submitters: PubMed 25640679; PubMed 25589632.

NC_000002.11:g.(?_179480024)_(179501536_?)dup

Gene: TTN (titin; minus strand). Cytogenetic location: 2q31.2.
Variant type: Duplication.
Identifiers: ClinVar variation 1024170 (VCV001024170.1).